The following is an entry in ClinVar:

NM_001354712.2(THRB):c.1144+1G>T

Gene: THRB (thyroid hormone receptor beta; minus strand). Cytogenetic location: 3p24.2.
Variant type: single nucleotide variant.
Coding change: c.1144+1G>T on transcript NM_001354712.2 (MANE Select); the canonical splice donor site of the intron after coding-DNA position 1144, G replaced by T.
Molecular consequence: splice donor variant. On other transcripts: intron variant (1).
Genome position (GRCh38, 1-based): chr3:24,127,498, C>A on the plus strand (G>T on the coding strand, the complement: THRB is on the minus strand). VCF-style: chr3-24127498-C-A. GRCh37 (hg19) VCF-style: chr3-24168989-C-A.
Other names: c.1144+1G>T (NM_001374822.1, NM_001374823.1, NM_001374824.1 and 11 more transcripts); c.1051+1G>T (NM_001354714.2, NM_001354715.2); c.973+172G>T (NM_001374827.1).
Identifiers: ClinVar variation 2632914 (VCV002632914.1), dbSNP rs2471725870, ClinGen allele CA351888421.

ClinVar aggregate classification (germline): Likely pathogenic (1 of 4 stars; one submission).

Conditions:
THRB-related disorder. Also called: THRB-related condition.

Submission:

PreventionGenetics, part of Exact Sciences
Classification: Likely pathogenic for THRB-related condition. Last evaluated: 2023-07-17. Review status: criteria provided, single submitter. Criteria: ACMG Guidelines, 2015. Collection method: clinical testing. Allele origin: germline.
Comment: The THRB c.1144+1G>T variant is predicted to disrupt the GT donor site and interfere with normal splicing. To our knowledge, this variant has not been reported in the literature or in a large population database, indicating this variant is rare. Variants that disrupt the consensus splice donor site in THRB are expected to be pathogenic. This variant is interpreted as likely pathogenic.